The following is an entry in ClinVar:

ClinVar aggregate classification (germline): Uncertain significance (1 of 4 stars; one submission).

Submission:

Labcorp Genetics (formerly Invitae), Labcorp
Classification: Uncertain significance. Last evaluated: 2026-01-14. Review status: criteria provided, single submitter. Criteria: Invitae Variant Classification Sherloc (09022015). Collection method: clinical testing. Allele origin: germline.
Comment: This sequence change replaces glycine, which is neutral and non-polar, with cysteine, which is neutral and slightly polar, at codon 1693 of the HMCN1 protein (p.Gly1693Cys). This variant is not present in population databases (gnomAD no frequency). This variant has not been reported in the literature in individuals affected with HMCN1-related conditions. An algorithm developed to predict the effect of missense changes on protein structure and function (PolyPhen-2) suggests that this variant is likely to be disruptive. In summary, the available evidence is currently insufficient to determine the role of this variant in disease. Therefore, it has been classified as a Variant of Uncertain Significance.

NM_031935.3(HMCN1):c.5077G>T (p.Gly1693Cys)

Gene: HMCN1 (hemicentin 1; plus strand). Cytogenetic location: 1q31.1.
Variant type: single nucleotide variant.
Coding change: c.5077G>T on transcript NM_031935.3 (MANE Select); coding-DNA position 5077, G replaced by T.
Protein change: p.Gly1693Cys; replaces glycine 1693 with cysteine.
Molecular consequence: missense variant.
Genome position (GRCh38, 1-based): chr1:186,016,125, G>T. VCF-style: chr1-186016125-G-T. GRCh37 (hg19) VCF-style: chr1-185985257-G-T.
Other names: short protein forms G1693C.
Identifiers: ClinVar variation 4805112 (VCV004805112.1).
Genomic context (GRCh38, chr1:186,016,125, plus strand): 5'-CTCACCTGGTTGAAAGATGGTGTACCTGTGAAAGCTAATGACAATATCCGCATAGAAGCT[G>T]GTGGGAAGAAACTCGAAATCATGAGTGCCCAAGAAATTGATCGAGGACAGTACATATGCG-3'
Protein context (NP_114141.2, residues 1683-1703): KANDNIRIEA[Gly1693Cys]GKKLEIMSAQ